The following is an entry in ClinVar:

ClinVar aggregate classification (germline): Conflicting classifications of pathogenicity. Review status: criteria provided, conflicting classifications (1 of 4 stars). 7 submissions from 7 submitters: Uncertain significance (1); Likely benign (6). Last evaluated 2025-10-02.

Conditions:
Inborn genetic diseases. Identifiers: MedGen C0950123, MeSH D030342.
Coffin-Siris syndrome 1 (CSS1). Also called: Mental retardation, autosomal dominant 12; ARID1B-Related Coffin-Siris Syndrome. Identifiers: Orphanet 1465, MedGen C3281201, MONDO:0007617, OMIM 135900. Disease mechanism: gain of function.

Allele frequency attached by ClinVar (database versions not stated): TOPMed 0.00007; gnomAD exomes 0.00013; gnomAD 0.00036.
gnomAD v4.1: 113 of 1,305,228 alleles (0.0087%); highest among the groups gnomAD compares: Non-Finnish European, 0.0095%; no homozygotes.

Submissions (7):

Labcorp Genetics (formerly Invitae), Labcorp
Classification: Likely benign. Last evaluated: 2025-10-02. Review status: criteria provided, single submitter. Criteria: Invitae Variant Classification Sherloc (09022015). Collection method: clinical testing. Allele origin: germline.

Laboratory of Genetics, Children's Clinical University Hospital Latvia
Classification: Likely benign. Last evaluated: 2025-02-16. Review status: criteria provided, single submitter. Criteria: ACMG Guidelines, 2015. Collection method: clinical testing. Allele origin: germline. Affected: yes.

Blueprint Genetics
Classification: Likely benign. Last evaluated: 2024-09-02. Review status: criteria provided, single submitter. Criteria: ACMG Guidelines, 2015. Collection method: clinical testing. Allele origin: germline.

CeGaT Center for Human Genetics Tuebingen
Classification: Likely benign. Last evaluated: 2023-10-01. Review status: criteria provided, single submitter. Criteria: CeGaT Center For Human Genetics Tuebingen Variant Classification Criteria Version 2. Collection method: clinical testing. Allele origin: germline. Affected: yes. Observed: 4 variant alleles.
Comment: ARID1B: BP4, BP7

Genome-Nilou Lab
Classification: Likely benign for Coffin-Siris syndrome 1. Last evaluated: 2021-07-15. Review status: criteria provided, single submitter. Criteria: ACMG Guidelines, 2015. Collection method: clinical testing. Allele origin: germline. Affected: no.

Ambry Genetics
Classification: Likely benign for Inborn genetic diseases. Last evaluated: 2018-03-22. Review status: criteria provided, single submitter. Criteria: Ambry Variant Classification Scheme 2023. Collection method: clinical testing. Allele origin: germline.

Genetic Services Laboratory, University of Chicago
Classification: Uncertain significance. Last evaluated: 2017-05-30. Review status: criteria provided, single submitter. Criteria: ACMG Guidelines, 2015. Collection method: clinical testing. Allele origin: germline. Affected: no.

NM_001374828.1(ARID1B):c.927C>T (p.Ala309=)

Genes: ARID1B (AT-rich interaction domain 1B; plus strand), LOC129997525 (ATAC-STARR-seq lymphoblastoid silent region 17712; plus strand). Cytogenetic location: 6q25.3.
Variant type: single nucleotide variant.
Coding change: c.927C>T on transcript NM_001374828.1 (MANE Select); coding-DNA position 927, C replaced by T.
Protein change: p.Ala309=; no amino-acid change (alanine 309 retained).
Molecular consequence: synonymous variant.
Genome position (GRCh38, 1-based): chr6:156,778,607, C>T. VCF-style: chr6-156778607-C-T. GRCh37 (hg19) VCF-style: chr6-157099741-C-T.
Other names: c.927C>T, p.Ala309= (NM_001371656.1, NM_001374820.1, NM_017519.3); c.678C>T, p.Ala226= (NM_020732.3).
Identifiers: ClinVar variation 434368 (VCV000434368.59), dbSNP rs1450163641, ClinGen allele CA452989246.